The following is an entry in ClinVar:

ClinVar aggregate classification (germline): Conflicting classifications of pathogenicity. Review status: criteria provided, conflicting classifications (1 of 4 stars). 2 submissions from 2 submitters: Pathogenic (1); Uncertain significance (1). Last evaluated 2025-03-01.

Conditions:
TARDBP-related disorder. Also called: TARDBP-related condition.
FRONTOTEMPORAL LOBAR DEGENERATION WITH TDP43 INCLUSIONS, TARDBP-RELATED. Also called: Frontotemporal lobar degeneration, TARDBP-related. Identifiers: MedGen C3150169, OMIM 612069.
Amyotrophic lateral sclerosis type 10 (ALS10). Also called: AMYOTROPHIC LATERAL SCLEROSIS 10 WITHOUT FRONTOTEMPORAL DEMENTIA AND WITH TDP43 INCLUSIONS; AMYOTROPHIC LATERAL SCLEROSIS 10 WITH OR WITHOUT FRONTOTEMPORAL DEMENTIA AND WITH TDP43 INCLUSIONS; AMYOTROPHIC LATERAL SCLEROSIS 10 WITH OR WITHOUT FRONTOTEMPORAL DEMENTIA; TARDBP-Related Amyotrophic Lateral Sclerosis-Frontotemporal Dementia; Amyotrophic lateral sclerosis 10, with or without FTD. Identifiers: Orphanet 275872, Orphanet 803, MedGen C2677565, MONDO:0012790, OMIM 612069.

Submissions (2):

Labcorp Genetics (formerly Invitae), Labcorp
Classification: Uncertain significance for Amyotrophic lateral sclerosis type 10; FRONTOTEMPORAL LOBAR DEGENERATION WITH TDP43 INCLUSIONS, TARDBP-RELATED. Last evaluated: 2025-03-01. Review status: criteria provided, single submitter. Criteria: Invitae Variant Classification Sherloc (09022015). Collection method: clinical testing. Allele origin: germline.
Comment: This sequence change replaces serine, which is neutral and polar, with asparagine, which is neutral and polar, at codon 332 of the TARDBP protein (p.Ser332Asn). This variant is not present in population databases (gnomAD no frequency). This missense change has been observed in individual(s) with amyotrophic lateral sclerosis (PMID: 19224587). ClinVar contains an entry for this variant (Variation ID: 1448395). Invitae Evidence Modeling of protein sequence and biophysical properties (such as structural, functional, and spatial information, amino acid conservation, physicochemical variation, residue mobility, and thermodynamic stability) indicates that this missense variant is not expected to disrupt TARDBP protein function with a negative predictive value of 80%. In summary, the available evidence is currently insufficient to determine the role of this variant in disease. Therefore, it has been classified as a Variant of Uncertain Significance.

PreventionGenetics, part of Exact Sciences
Classification: Pathogenic for TARDBP-related condition. Last evaluated: 2024-10-17. Review status: criteria provided, single submitter. Criteria: ACMG Guidelines, 2015. Collection method: clinical testing. Allele origin: germline.
Comment: The TARDBP c.995G>A variant is predicted to result in the amino acid substitution p.Ser332Asn. This variant has been reported in multiple unrelated individuals with amyotrophic lateral sclerosis (ALS, Corrado et al. 2009. PubMed ID: 19224587; Martello et al. 2022. PubMed ID: 35667216; Lattante et al. 2023. PubMed ID: 36732882). A different missense change at the same amino acid position (c.994A>G, p.Ser332Gly) has been reported in an individual with ALS (Li et al. 2022. PubMed ID: 35239007). The p.Ser332Asn variant is located within the conserved C-terminal region of TARDBP, where missense change is not expected to be tolerated and is considered a hot spot for ALS-causing variants (Tiloca et al. 2022. PubMed ID: 36247987). This variant has not been reported in a large population database, indicating this variant is rare. This variant is interpreted as pathogenic.

Literature cited by the submitters: PubMed 19224587 (cited by Labcorp Genetics (formerly Invitae), Labcorp).

NM_007375.4(TARDBP):c.995G>A (p.Ser332Asn)

Gene: TARDBP (TAR DNA binding protein; plus strand). Cytogenetic location: 1p36.22.
Variant type: single nucleotide variant.
Coding change: c.995G>A on transcript NM_007375.4 (MANE Select); coding-DNA position 995, G replaced by A.
Protein change: p.Ser332Asn; replaces serine 332 with asparagine.
Molecular consequence: missense variant.
Genome position (GRCh38, 1-based): chr1:11,022,404, G>A. VCF-style: chr1-11022404-G-A. GRCh37 (hg19) VCF-style: chr1-11082461-G-A.
Other names: short protein forms S332N.
Identifiers: ClinVar variation 1448395 (VCV001448395.7), dbSNP rs80356728, ClinGen allele CA17876266.